The following is an entry in ClinVar:

ClinVar aggregate classification (germline): Uncertain significance (1 of 4 stars; one submission).

Conditions:
Noonan syndrome 9 (NS9). Identifiers: Orphanet 648, MedGen C4225282, MONDO:0014691, OMIM 616559.

Allele frequency attached by ClinVar (database versions not stated): TOPMed below 0.00001; ExAC 0.00001; ESP Exome Variant Server 0.00008.

Submission:

Labcorp Genetics (formerly Invitae), Labcorp
Classification: Uncertain significance for Noonan syndrome 9. Last evaluated: 2024-05-21. Review status: criteria provided, single submitter. Criteria: Invitae Variant Classification Sherloc (09022015). Collection method: clinical testing. Allele origin: germline.
Comment: This sequence change replaces proline, which is neutral and non-polar, with serine, which is neutral and polar, at codon 1086 of the SOS2 protein (p.Pro1086Ser). This variant is not present in population databases (gnomAD no frequency). This variant has not been reported in the literature in individuals affected with SOS2-related conditions. Advanced modeling of protein sequence and biophysical properties (such as structural, functional, and spatial information, amino acid conservation, physicochemical variation, residue mobility, and thermodynamic stability) performed at Invitae indicates that this missense variant is not expected to disrupt SOS2 protein function with a negative predictive value of 80%. In summary, the available evidence is currently insufficient to determine the role of this variant in disease. Therefore, it has been classified as a Variant of Uncertain Significance.

NM_006939.4(SOS2):c.3256C>T (p.Pro1086Ser)

Gene: SOS2 (SOS Ras/Rho guanine nucleotide exchange factor 2; minus strand). Cytogenetic location: 14q21.3.
Variant type: single nucleotide variant.
Coding change: c.3256C>T on transcript NM_006939.4 (MANE Select); coding-DNA position 3256, C replaced by T.
Protein change: p.Pro1086Ser; replaces proline 1086 with serine.
Molecular consequence: missense variant.
Genome position (GRCh38, 1-based): chr14:50,130,582, G>A on the plus strand (C>T on the coding strand, the complement: SOS2 is on the minus strand). VCF-style: chr14-50130582-G-A. GRCh37 (hg19) VCF-style: chr14-50597300-G-A.
Other names: c.3157C>T, p.Pro1053Ser (NM_001411020.1); short protein forms P1053S, P1086S.
Identifiers: ClinVar variation 2835313 (VCV002835313.3), dbSNP rs374654442, ClinGen allele CA7176851.